The following is an entry in ClinVar:

ClinVar aggregate classification (germline): Uncertain significance (1 of 4 stars; one submission).

Conditions:
Familial hemophagocytic lymphohistiocytosis 2 (FHL2). Also called: PRF1-Related Familial Hemophagocytic Lymphohistiocytosis (PRF1-fHLH). Identifiers: Orphanet 540, MedGen C1863727, MONDO:0011337, OMIM 603553.

Submission:

Labcorp Genetics (formerly Invitae), Labcorp
Classification: Uncertain significance for Familial hemophagocytic lymphohistiocytosis 2. Last evaluated: 2022-06-04. Review status: criteria provided, single submitter. Criteria: Invitae Variant Classification Sherloc (09022015). Collection method: clinical testing. Allele origin: germline.
Comment: In summary, the available evidence is currently insufficient to determine the role of this variant in disease. Therefore, it has been classified as a Variant of Uncertain Significance. Algorithms developed to predict the effect of sequence changes on RNA splicing suggest that this variant may create or strengthen a splice site. Algorithms developed to predict the effect of missense changes on protein structure and function are either unavailable or do not agree on the potential impact of this missense change (SIFT: "Tolerated"; PolyPhen-2: "Possibly Damaging"; Align-GVGD: "Class C0"). ClinVar contains an entry for this variant (Variation ID: 860274). This variant has not been reported in the literature in individuals affected with PRF1-related conditions. This variant is not present in population databases (gnomAD no frequency). This sequence change replaces proline, which is neutral and non-polar, with threonine, which is neutral and polar, at codon 16 of the PRF1 protein (p.Pro16Thr).

NM_001083116.3(PRF1):c.46C>A (p.Pro16Thr)

Gene: PRF1 (perforin 1; minus strand). Cytogenetic location: 10q22.1.
Variant type: single nucleotide variant.
Coding change: c.46C>A on transcript NM_001083116.3 (MANE Select); coding-DNA position 46, C replaced by A.
Protein change: p.Pro16Thr; replaces proline 16 with threonine.
Molecular consequence: missense variant.
Genome position (GRCh38, 1-based): chr10:70,600,857, G>T on the plus strand (C>A on the coding strand, the complement: PRF1 is on the minus strand). VCF-style: chr10-70600857-G-T. GRCh37 (hg19) VCF-style: chr10-72360613-G-T.
Other names: c.46C>A, p.Pro16Thr (NM_005041.6); short protein forms P16T.
Identifiers: ClinVar variation 860274 (VCV000860274.8), dbSNP rs1031606439, ClinGen allele CA376960201.